The following is an entry in ClinVar:

ClinVar aggregate classification (germline): Likely benign. Review status: criteria provided, multiple submitters, no conflicts (2 of 4 stars). 3 submissions from 3 submitters: Likely benign (3). Last evaluated 2024-06-17.

Conditions:
Arrhythmogenic right ventricular dysplasia 5. Also called: Arrhythmogenic Right Ventricular Dysplasia/Cardiomyopathy 5; ARRHYTHMOGENIC RIGHT VENTRICULAR DYSPLASIA, FAMILIAL, 5. Identifiers: MedGen C1858379, MONDO:0011459, OMIM 604400.
Cardiovascular phenotype. Identifiers: MedGen CN230736.

Submissions (3):

All of Us Research Program, National Institutes of Health
Classification: Likely benign for Arrhythmogenic right ventricular dysplasia 5. Last evaluated: 2024-06-17. Review status: criteria provided, single submitter. Criteria: ACMG Guidelines, 2015. Collection method: clinical testing. Allele origin: germline. Inheritance: Autosomal dominant inheritance. Observed: 1 variant allele, 1 heterozygote.
Comment: This study involves interpretation of variants in research participants for the purpose of population health screening. Participant phenotype was not available at the time of variant classification. Additional details can be found in publication PMID: 35346344, PMCID: PMC8962531

Labcorp Genetics (formerly Invitae), Labcorp
Classification: Likely benign for Arrhythmogenic right ventricular dysplasia 5. Last evaluated: 2024-01-25. Review status: criteria provided, single submitter. Criteria: Invitae Variant Classification Sherloc (09022015). Collection method: clinical testing. Allele origin: germline.

Ambry Genetics
Classification: Likely benign for Cardiovascular phenotype. Last evaluated: 2021-11-17. Review status: criteria provided, single submitter. Criteria: Ambry Variant Classification Scheme 2023. Collection method: clinical testing. Allele origin: germline.

NM_024334.3(TMEM43):c.351G>A (p.Arg117=)

Gene: TMEM43 (transmembrane protein 43; plus strand). Cytogenetic location: 3p25.1.
Variant type: single nucleotide variant.
Coding change: c.351G>A on transcript NM_024334.3 (MANE Select); coding-DNA position 351, G replaced by A.
Protein change: p.Arg117=; no amino-acid change (arginine 117 retained).
Molecular consequence: synonymous variant.
Genome position (GRCh38, 1-based): chr3:14,131,633, G>A. VCF-style: chr3-14131633-G-A. GRCh37 (hg19) VCF-style: chr3-14173133-G-A.
Identifiers: ClinVar variation 1093637 (VCV001093637.12), dbSNP rs2124987872, ClinGen allele CA432551297.